The following is an entry in ClinVar:

NM_001371986.1(UNC80):c.938+2T>C

Gene: UNC80 (unc-80 subunit of NALCN channel complex; plus strand). Cytogenetic location: 2q34.
Variant type: single nucleotide variant.
Coding change: c.938+2T>C on transcript NM_001371986.1 (MANE Select); the canonical splice donor site of the intron after coding-DNA position 938, T replaced by C.
Molecular consequence: splice donor variant.
Genome position (GRCh38, 1-based): chr2:209,793,861, T>C. VCF-style: chr2-209793861-T-C. GRCh37 (hg19) VCF-style: chr2-210658585-T-C.
Other names: c.938+2T>C (NM_032504.2, NM_182587.4).
Identifiers: ClinVar variation 2087194 (VCV002087194.4), dbSNP rs2470923199, ClinGen allele CA350132656.

ClinVar aggregate classification (germline): Likely pathogenic (1 of 4 stars; one submission).

Submission:

Labcorp Genetics (formerly Invitae), Labcorp
Classification: Likely pathogenic. Last evaluated: 2024-03-25. Review status: criteria provided, single submitter. Criteria: Invitae Variant Classification Sherloc (09022015). Collection method: clinical testing. Allele origin: germline.
Comment: This sequence change affects a donor splice site in intron 7 of the UNC80 gene. It is expected to disrupt RNA splicing. Variants that disrupt the donor or acceptor splice site typically lead to a loss of protein function (PMID: 16199547), and loss-of-function variants in UNC80 are known to be pathogenic (PMID: 26545877, 26708751, 26708753). This variant is not present in population databases (gnomAD no frequency). This variant has not been reported in the literature in individuals affected with UNC80-related conditions. ClinVar contains an entry for this variant (Variation ID: 2087194). Algorithms developed to predict the effect of sequence changes on RNA splicing suggest that this variant may disrupt the consensus splice site. In summary, the currently available evidence indicates that the variant is pathogenic, but additional data are needed to prove that conclusively. Therefore, this variant has been classified as Likely Pathogenic.

Literature cited by the submitters: PubMed 16199547; PubMed 26545877; PubMed 26708751; PubMed 26708753.